The following is an entry in ClinVar:

NM_000179.3(MSH6):c.2088T>G (p.Ile696Met)

Gene: MSH6 (mutS homolog 6; plus strand). Cytogenetic location: 2p16.3.
Variant type: single nucleotide variant.
Coding change: c.2088T>G on transcript NM_000179.3 (MANE Select); coding-DNA position 2088, T replaced by G.
Protein change: p.Ile696Met; replaces isoleucine 696 with methionine.
Molecular consequence: missense variant.
Genome position (GRCh38, 1-based): chr2:47,800,071, T>G. VCF-style: chr2-47800071-T-G. GRCh37 (hg19) VCF-style: chr2-48027210-T-G.
Other names: c.1698T>G, p.Ile566Met (NM_001281492.2); c.1182T>G, p.Ile394Met (NM_001281493.2, NM_001281494.2, NM_001406811.1 and 6 more transcripts); c.2184T>G, p.Ile728Met (NM_001406795.1, NM_001406802.1); c.2088T>G, p.Ile696Met (NM_001406796.1, NM_001406798.1, NM_001406800.1 and 3 more transcripts); c.1791T>G, p.Ile597Met (NM_001406797.1, NM_001406801.1, NM_001406805.1 and 10 more transcripts); c.1563T>G, p.Ile521Met (NM_001406799.1, NM_001406806.1, NM_001406807.1); c.2010T>G, p.Ile670Met (NM_001406804.1); c.2094T>G, p.Ile698Met (NM_001406813.1); and 1 more; short protein forms I597M, I566M, I521M, I670M, I696M, I728M, I394M, I640M.
Identifiers: ClinVar variation 1785679 (VCV001785679.3), dbSNP rs2104387995, ClinGen allele CA346750848.

ClinVar aggregate classification (germline): Uncertain significance (1 of 4 stars; one submission).

Conditions:
Hereditary cancer-predisposing syndrome. Also called: Neoplastic Syndromes, Hereditary; Tumor predisposition; Hereditary Cancer Syndrome; Hereditary neoplastic syndrome. Identifiers: Orphanet 140162, MedGen C0027672, MeSH D009386, MONDO:0015356.

Submission:

Ambry Genetics
Classification: Uncertain significance for Hereditary cancer-predisposing syndrome. Last evaluated: 2025-04-22. Review status: criteria provided, single submitter. Criteria: Ambry Variant Classification Scheme 2023. Collection method: clinical testing. Allele origin: germline.
Comment: The p.I696M variant (also known as c.2088T>G), located in coding exon 4 of the MSH6 gene, results from a T to G substitution at nucleotide position 2088. The isoleucine at codon 696 is replaced by methionine, an amino acid with highly similar properties. This amino acid position is well conserved in available vertebrate species. In addition, the in silico prediction for this alteration is inconclusive. Based on the available evidence, the clinical significance of this variant remains unclear.